The following is an entry in ClinVar:

ClinVar aggregate classification (germline): Conflicting classifications of pathogenicity. Review status: criteria provided, conflicting classifications (1 of 4 stars). 5 submissions from 5 submitters: Uncertain significance (3); Likely benign (2). Last evaluated 2025-12-18.

Conditions:
Hereditary breast ovarian cancer syndrome. Also called: Hereditary breast and/or ovarian cancer syndrome; Breast and ovarian cancer; Hereditary breast and ovarian cancer; Hereditary breast and ovarian cancer syndrome (HBOC); Hereditary breast and ovarian cancer syndrome; BRCA1- and BRCA2-Associated Hereditary Breast and Ovarian Cancer. Identifiers: Orphanet 145, MedGen C0677776, MeSH D061325, MONDO:0003582. Disease mechanism: loss of function.
Hereditary cancer-predisposing syndrome. Also called: Neoplastic Syndromes, Hereditary; Hereditary neoplastic syndrome; Tumor predisposition; Hereditary Cancer Syndrome. Identifiers: Orphanet 140162, MedGen C0027672, MeSH D009386, MONDO:0015356.

Submissions (5):

Ambry Genetics
Classification: Likely benign for Hereditary cancer-predisposing syndrome. Last evaluated: 2025-12-18. Review status: criteria provided, single submitter. Criteria: Ambry Variant Classification Scheme 2023. Collection method: clinical testing. Allele origin: germline.

Labcorp Genetics (formerly Invitae), Labcorp
Classification: Uncertain significance for Hereditary breast ovarian cancer syndrome. Last evaluated: 2025-10-25. Review status: criteria provided, single submitter. Criteria: Invitae Variant Classification Sherloc (09022015). Collection method: clinical testing. Allele origin: germline.
Comment: This sequence change replaces glutamic acid, which is acidic and polar, with glycine, which is neutral and non-polar, at codon 1646 of the BRCA2 protein (p.Glu1646Gly). This variant is not present in population databases (gnomAD no frequency). This variant has not been reported in the literature in individuals affected with BRCA2-related conditions. ClinVar contains an entry for this variant (Variation ID: 575783). Invitae Evidence Modeling of protein sequence and biophysical properties (such as structural, functional, and spatial information, amino acid conservation, physicochemical variation, residue mobility, and thermodynamic stability) indicates that this missense variant is not expected to disrupt BRCA2 protein function with a negative predictive value of 95%. In summary, the available evidence is currently insufficient to determine the role of this variant in disease. Therefore, it has been classified as a Variant of Uncertain Significance.

Color Diagnostics, LLC DBA Color Health
Classification: Uncertain significance for Hereditary cancer-predisposing syndrome. Last evaluated: 2025-08-27. Review status: criteria provided, single submitter. Criteria: ACMG Guidelines, 2015. Collection method: clinical testing. Allele origin: germline.
Comment: This missense variant replaces glutamic acid with glycine at codon 1646 of the BRCA2 protein. Computational prediction suggests that this variant may not impact protein structure and function. To our knowledge, functional studies have not been reported for this variant. This variant has not been reported in individuals affected with BRCA2-related disorders in the literature. This variant has not been identified in the general population by the Genome Aggregation Database (gnomAD). The available evidence is insufficient to determine the role of this variant in disease conclusively. Therefore, this variant is classified as a Variant of Uncertain Significance.

University of Washington Department of Laboratory Medicine, University of Washington
Classification: Likely benign for Hereditary cancer-predisposing syndrome. Last evaluated: 2023-03-23. Review status: criteria provided, single submitter. Criteria: Dines et al. (Genet Med. 2020). Collection method: curation. Allele origin: germline.
Comment: Missense variant in a coldspot region where missense variants are very unlikely to be pathogenic (PMID:31911673).

BRCA2 exon 11 coldspot. Reclassification based on statistical prior probability.

GeneDx
Classification: Uncertain significance. Last evaluated: 2019-12-24. Review status: criteria provided, single submitter. Criteria: GeneDx Variant Classification Process June 2021. Collection method: clinical testing. Allele origin: germline. Affected: yes.
Comment: Has not been previously published as pathogenic or benign to our knowledge; Not observed in large population cohorts (Lek 016); In silico analysis, which includes protein predictors and evolutionary conservation, supports a deleterious effect; Also known as 5165A>G

NM_000059.4(BRCA2):c.4937A>G (p.Glu1646Gly)

Gene: BRCA2 (BRCA2 DNA repair associated; plus strand). Cytogenetic location: 13q13.1.
Variant type: single nucleotide variant.
Coding change: c.4937A>G on transcript NM_000059.4 (MANE Select); coding-DNA position 4937, A replaced by G.
Protein change: p.Glu1646Gly; replaces glutamic acid 1646 with glycine.
Molecular consequence: missense variant.
Genome position (GRCh38, 1-based): chr13:32,339,292, A>G. VCF-style: chr13-32339292-A-G. GRCh37 (hg19) VCF-style: chr13-32913429-A-G.
Other names: short protein forms E1646G.
Identifiers: ClinVar variation 575783 (VCV000575783.19), dbSNP rs762394148, ClinGen allele CA387783696.